The following is an entry in ClinVar:

ClinVar aggregate classification (germline): Likely benign (1 of 4 stars; one submission).

Conditions:
TMEM67-related disorder. Also called: TMEM67-related condition; TMEM67-related disorders. Identifiers: MedGen CN239423.

Submission:

PreventionGenetics, part of Exact Sciences
Classification: Likely benign for TMEM67-related condition. Last evaluated: 2025-08-29. Review status: criteria provided, single submitter. Criteria: ACMG Guidelines, 2015. Collection method: clinical testing. Allele origin: germline.
Comment: This variant is classified as likely benign based on ACMG/AMP sequence variant interpretation guidelines (Richards et al. 2015 PMID: 25741868, with internal and published modifications).

NM_153704.6(TMEM67):c.1519-5A>G

Gene: TMEM67 (transmembrane protein 67; plus strand). Cytogenetic location: 8q22.1.
Variant type: single nucleotide variant.
Coding change: c.1519-5A>G on transcript NM_153704.6 (MANE Select); 5 bases into the intron before coding-DNA position 1519, A replaced by G.
Molecular consequence: intron variant.
Genome position (GRCh38, 1-based): chr8:93,791,258, A>G. VCF-style: chr8-93791258-A-G. GRCh37 (hg19) VCF-style: chr8-94803486-A-G.
Other names: c.1276-5A>G (NM_001142301.1).
Identifiers: ClinVar variation 4984809 (VCV004984809.1).
Genomic context (GRCh38, chr8:93,791,258, plus strand): 5'-ATAACAAAAATAAGTTTGTATCATATAATTTCAGTATAGCTAATTTGTTTTGTTTTAAAT[A>G]TCAGGTTTCTTTCTCAGTCACATATGAAATGGATCATGGAGAAGCACATGTCCAGACAGA-3'